The following is an entry in ClinVar:

NM_001365068.1(ASTN2):c.3401C>T (p.Thr1134Ile)

Gene: ASTN2 (astrotactin 2; minus strand). Cytogenetic location: 9q33.1.
Variant type: single nucleotide variant.
Coding change: c.3401C>T on transcript NM_001365068.1 (MANE Select); coding-DNA position 3401, C replaced by T.
Protein change: p.Thr1134Ile; replaces threonine 1134 with isoleucine.
Molecular consequence: missense variant.
Genome position (GRCh38, 1-based): chr9:116,487,455, G>A on the plus strand (C>T on the coding strand, the complement: ASTN2 is on the minus strand). VCF-style: chr9-116487455-G-A. GRCh37 (hg19) VCF-style: chr9-119249734-G-A.
Other names: c.557C>T, p.Thr186Ile (NM_001184734.1, NM_198187.3, NM_198188.2); c.3389C>T, p.Thr1130Ile (NM_001365069.1); c.3248C>T, p.Thr1083Ile (NM_014010.5); c.704C>T, p.Thr235Ile (NM_198186.3); short protein forms T1083I, T1130I, T235I, T186I, T1134I.
Identifiers: ClinVar variation 708046 (VCV000708046.7), dbSNP rs142855762, ClinGen allele CA5210685.

ClinVar aggregate classification (germline): Benign. Review status: criteria provided, multiple submitters, no conflicts (2 of 4 stars). 3 submissions from 3 submitters: Benign (2). 1 of the submissions does not count toward it. Last evaluated 2019-12-31.

Conditions:
ASTN2-related disorder. Also called: ASTN2-related condition.

Allele frequency attached by ClinVar (database versions not stated): gnomAD 0.00071 and 0.00113; gnomAD exomes 0.00083 and 0.00233; TOPMed 0.00131; ExAC 0.00224; 1000 Genomes Project 30x 0.00515; 1000 Genomes Project 0.00539.

Submissions (3):

Labcorp Genetics (formerly Invitae), Labcorp
Classification: Benign. Last evaluated: 2019-12-31. Review status: criteria provided, single submitter. Criteria: Invitae Variant Classification Sherloc (09022015). Collection method: clinical testing. Allele origin: germline.

Breakthrough Genomics
Classification: Benign. Review status: criteria provided, single submitter. Criteria: ACMG Guidelines, 2015. Collection method: not provided. Allele origin: germline. Inheritance: Unknown mechanism. Affected: yes.

PreventionGenetics, part of Exact Sciences
Classification: Benign for ASTN2-related condition. Last evaluated: 2019-12-27. Review status: no assertion criteria provided. Collection method: clinical testing. Allele origin: germline. Not counted in ClinVar's aggregate classification.
Comment: This variant is classified as benign based on ACMG/AMP sequence variant interpretation guidelines (Richards et al. 2015 PMID: 25741868, with internal and published modifications).